The following is an entry in ClinVar:

NM_080680.3(COL11A2):c.3311A>G (p.His1104Arg)

Gene: COL11A2 (collagen type XI alpha 2 chain; minus strand). Cytogenetic location: 6p21.32.
Variant type: single nucleotide variant.
Coding change: c.3311A>G on transcript NM_080680.3 (MANE Select); coding-DNA position 3311, A replaced by G.
Protein change: p.His1104Arg; replaces histidine 1104 with arginine.
Molecular consequence: missense variant.
Genome position (GRCh38, 1-based): chr6:33,171,272, T>C on the plus strand (A>G on the coding strand, the complement: COL11A2 is on the minus strand). VCF-style: chr6-33171272-T-C. GRCh37 (hg19) VCF-style: chr6-33139049-T-C.
Other names: c.3131A>G, p.His1044Arg (NM_001424108.1); c.2465A>G, p.His822Arg (NM_001424109.1); c.2285A>G, p.His762Arg (NM_001424110.1, NM_001424111.1); c.1265A>G, p.His422Arg (NM_001424112.1); c.2990A>G, p.His997Arg (NM_080679.3); c.3053A>G, p.His1018Arg (NM_080681.3); short protein forms H1104R, H997R, H1018R, H422R, H822R, H1044R, H762R.
Identifiers: ClinVar variation 3725164 (VCV003725164.2).

ClinVar aggregate classification (germline): Uncertain significance (1 of 4 stars; one submission).

gnomAD v4.1: 1 of 1,614,214 alleles (0.000062%); highest among the groups gnomAD compares: Non-Finnish European, 0.000085%; no homozygotes.

Submission:

Labcorp Genetics (formerly Invitae), Labcorp
Classification: Uncertain significance. Last evaluated: 2025-03-12. Review status: criteria provided, single submitter. Criteria: Invitae Variant Classification Sherloc (09022015). Collection method: clinical testing. Allele origin: germline.
Comment: This sequence change replaces histidine, which is basic and polar, with arginine, which is basic and polar, at codon 1104 of the COL11A2 protein (p.His1104Arg). This variant is not present in population databases (gnomAD no frequency). This variant has not been reported in the literature in individuals affected with COL11A2-related conditions. An algorithm developed to predict the effect of missense changes on protein structure and function (PolyPhen-2) suggests that this variant is likely to be disruptive. In summary, the available evidence is currently insufficient to determine the role of this variant in disease. Therefore, it has been classified as a Variant of Uncertain Significance.